The following is an entry in ClinVar:

NM_001367624.2(ZNF469):c.1513C>T (p.Pro505Ser)

Gene: ZNF469 (zinc finger protein 469; plus strand). Cytogenetic location: 16q24.2.
Variant type: single nucleotide variant.
Coding change: c.1513C>T on transcript NM_001367624.2 (MANE Select); coding-DNA position 1513, C replaced by T.
Protein change: p.Pro505Ser; replaces proline 505 with serine.
Molecular consequence: missense variant.
Genome position (GRCh38, 1-based): chr16:88,428,983, C>T. VCF-style: chr16-88428983-C-T. GRCh37 (hg19) VCF-style: chr16-88495391-C-T.
Other names: NM_001127464.1:c.1513C>T; short protein forms P505S.
Identifiers: ClinVar variation 3232759 (VCV003232759.2), dbSNP rs1905915304, ClinGen allele CA397067284.

ClinVar aggregate classification (germline): Uncertain significance. Review status: criteria provided, multiple submitters, no conflicts (2 of 4 stars). 2 submissions from 2 submitters: Uncertain significance (2). Last evaluated 2024-12-09.

Conditions:
Cardiovascular phenotype. Identifiers: MedGen CN230736.

Allele frequency attached by ClinVar (database versions not stated): gnomAD exomes below 0.00001.
gnomAD v4.1: 5 of 1,549,042 alleles (0.00032%); highest among the groups gnomAD compares: Non-Finnish European, 0.00044%; no homozygotes.

Submissions (2):

Women's Health and Genetics/Laboratory Corporation of America, LabCorp
Classification: Uncertain significance. Last evaluated: 2024-12-09. Review status: criteria provided, single submitter. Criteria: LabCorp Variant Classification Summary - May 2015. Collection method: clinical testing. Allele origin: germline.
Comment: Variant summary: ZNF469 c.1513C>T (p.Pro505Ser) results in a non-conservative amino acid change in the encoded protein sequence. Two of four in-silico tools predict a benign effect of the variant on protein function. The variant was absent in 144494 control chromosomes. The available data on variant occurrences in the general population are insufficient to allow any conclusion about variant significance. To our knowledge, no occurrence of c.1513C>T in individuals affected with Brittle cornea syndrome 1 and no experimental evidence demonstrating its impact on protein function have been reported. ClinVar contains an entry for this variant (Variation ID: 3232759). Based on the evidence outlined above, the variant was classified as uncertain significance.

Ambry Genetics
Classification: Uncertain significance for Cardiovascular phenotype. Last evaluated: 2023-12-22. Review status: criteria provided, single submitter. Criteria: Ambry Variant Classification Scheme 2023. Collection method: clinical testing. Allele origin: germline.
Comment: The p.P505S variant (also known as c.1513C>T), located in coding exon 1 of the ZNF469 gene, results from a C to T substitution at nucleotide position 1513. The proline at codon 505 is replaced by serine, an amino acid with similar properties. This amino acid position is conserved. In addition, this alteration is predicted to be tolerated by in silico analysis. Since supporting evidence is limited at this time, the clinical significance of this alteration remains unclear.